The following is an entry in ClinVar:

ClinVar aggregate classification (germline): Conflicting classifications of pathogenicity. Review status: criteria provided, conflicting classifications (1 of 4 stars). 2 submissions from 2 submitters: Uncertain significance (1); Likely benign (1). Last evaluated 2023-03-23.

Conditions:
Hereditary cancer-predisposing syndrome. Also called: Hereditary Cancer Syndrome; Neoplastic Syndromes, Hereditary; Tumor predisposition; Hereditary neoplastic syndrome. Identifiers: Orphanet 140162, MedGen C0027672, MeSH D009386, MONDO:0015356.

Submissions (2):

University of Washington Department of Laboratory Medicine, University of Washington
Classification: Likely benign for Hereditary cancer-predisposing syndrome. Last evaluated: 2023-03-23. Review status: criteria provided, single submitter. Criteria: Dines et al. (Genet Med. 2020). Collection method: curation. Allele origin: germline.
Comment: Missense variant in a coldspot region where missense variants are very unlikely to be pathogenic (PMID:31911673).

BRCA1 coldspot (exon 11 using historical exon numbering). Reclassification based on statistical prior probability

Color Diagnostics, LLC DBA Color Health
Classification: Uncertain significance for Hereditary cancer-predisposing syndrome. Last evaluated: 2019-05-15. Review status: criteria provided, single submitter. Criteria: ACMG Guidelines, 2015. Collection method: clinical testing. Allele origin: germline.

NM_007294.4(BRCA1):c.2720A>G (p.Glu907Gly)

Gene: BRCA1 (BRCA1 DNA repair associated; minus strand). Cytogenetic location: 17q21.31.
Variant type: single nucleotide variant.
Coding change: c.2720A>G on transcript NM_007294.4 (MANE Select); coding-DNA position 2720, A replaced by G.
Protein change: p.Glu907Gly; replaces glutamic acid 907 with glycine.
Molecular consequence: missense variant. On other transcripts: intron variant (137).
Genome position (GRCh38, 1-based): chr17:43,092,811, T>C on the plus strand (A>G on the coding strand, the complement: BRCA1 is on the minus strand). VCF-style: chr17-43092811-T-C. GRCh37 (hg19) VCF-style: chr17-41244828-T-C.
Other names: c.2579A>G, p.Glu860Gly (NM_001407735.1, NM_001407736.1, NM_001407737.1 and 29 more transcripts); c.2576A>G, p.Glu859Gly (NM_001407740.1, NM_001407741.1, NM_001407742.1 and 20 more transcripts); c.2507A>G, p.Glu836Gly (NM_001407853.1, NM_001407894.1, NM_001407895.1 and 9 more transcripts); c.2720A>G, p.Glu907Gly (NM_001407854.1, NM_001407858.1, NM_001407859.1 and 30 more transcripts); c.2717A>G, p.Glu906Gly (NM_001407860.1, NM_001407861.1, NM_001407587.1 and 22 more transcripts); c.2519A>G, p.Glu840Gly (NM_001407862.1); c.2597A>G, p.Glu866Gly (NM_001407863.1, NM_001407919.1, NM_001407937.1 and 19 more transcripts); c.2516A>G, p.Glu839Gly (NM_001407874.1, NM_001407875.1); and 41 more; short protein forms E907G, E860G, E611G, E739G, E795G, E866G, E779G, E780G.
Identifiers: ClinVar variation 491051 (VCV000491051.7), dbSNP rs1555589078, ClinGen allele CA10596554.